The following is an entry in ClinVar:

NM_003024.3(ITSN1):c.1666C>G (p.Gln556Glu)

Gene: ITSN1 (intersectin 1; plus strand). Cytogenetic location: 21q22.11.
Variant type: single nucleotide variant.
Coding change: c.1666C>G on transcript NM_003024.3 (MANE Select); coding-DNA position 1666, C replaced by G.
Protein change: p.Gln556Glu; replaces glutamine 556 with glutamic acid.
Molecular consequence: missense variant.
Genome position (GRCh38, 1-based): chr21:33,781,530, C>G. VCF-style: chr21-33781530-C-G. GRCh37 (hg19) VCF-style: chr21-35153834-C-G.
Other names: c.1666C>G, p.Gln556Glu (NM_001001132.2, NM_001331008.2, NM_001331009.2 and 2 more transcripts); c.1555C>G, p.Gln519Glu (NM_001331012.2); short protein forms Q519E, Q556E.
Identifiers: ClinVar variation 2500464 (VCV002500464.2), dbSNP rs1197912762, ClinGen allele CA410125993.
Genomic context (GRCh38, chr21:33,781,530, plus strand): 5'-CAAATGCTTGGAAGACTTATTCCAGAAAAACAGATACTCAATGACCAATTAAAACAAGTT[C>G]AGCAGAACAGTTTGCACAGTAGGTGTTTTATTTTTAAAGTTGACCTTTTCTTTATTCTTT-3'
Protein context (NP_003015.2, residues 546-566): QILNDQLKQV[Gln556Glu]QNSLHRDSLV

ClinVar aggregate classification (germline): Uncertain significance (1 of 4 stars; one submission).

Submission:

GeneDx
Classification: Uncertain significance. Last evaluated: 2025-04-24. Review status: criteria provided, single submitter. Criteria: GeneDx Variant Classification Process June 2021. Collection method: clinical testing. Allele origin: germline.
Comment: In silico analysis indicates that this missense variant does not alter protein structure/function; Has not been previously published as pathogenic or benign to our knowledge